The following is an entry in ClinVar:

NM_001191061.2(SLC25A22):c.658G>A (p.Glu220Lys)

Gene: SLC25A22 (solute carrier family 25 member 22; minus strand). Cytogenetic location: 11p15.5.
Variant type: single nucleotide variant.
Coding change: c.658G>A on transcript NM_001191061.2 (MANE Select); coding-DNA position 658, G replaced by A.
Protein change: p.Glu220Lys; replaces glutamic acid 220 with lysine.
Molecular consequence: missense variant.
Genome position (GRCh38, 1-based): chr11:792,388, C>T on the plus strand (G>A on the coding strand, the complement: SLC25A22 is on the minus strand). VCF-style: chr11-792388-C-T. GRCh37 (hg19) VCF-style: chr11-792388-C-T.
Other names: c.658G>A, p.Glu220Lys (NM_001191060.2, NM_024698.6); c.658G>A (NM_024698.5); short protein forms E220K.
Identifiers: ClinVar variation 2152831 (VCV002152831.4), dbSNP rs781132225, ClinGen allele CA5789103.

ClinVar aggregate classification (germline): Uncertain significance. Review status: criteria provided, multiple submitters, no conflicts (2 of 4 stars). 3 submissions from 3 submitters: Uncertain significance (3). Last evaluated 2026-06-02.

Conditions:
Inborn genetic diseases. Identifiers: MedGen C0950123, MeSH D030342.
Developmental and epileptic encephalopathy. Identifiers: MedGen C5779964, MONDO:0100620.

Allele frequency attached by ClinVar (database versions not stated): ExAC 0.00003; gnomAD 0.00003; gnomAD exomes 0.00001; TOPMed 0.00003.
gnomAD v4.1: 25 of 1,613,212 alleles (0.0015%); highest among the groups gnomAD compares: East Asian, 0.0089%; no homozygotes.

Submissions (3):

Ambry Genetics
Classification: Uncertain significance for Inborn genetic diseases. Last evaluated: 2026-06-02. Review status: criteria provided, single submitter. Criteria: Ambry Variant Classification Scheme 2023. Collection method: clinical testing. Allele origin: germline.
Comment: The c.658G>A (p.E220K) alteration is located in exon 8 (coding exon 7) of the SLC25A22 gene. This alteration results from a G to A substitution at nucleotide position 658, causing the glutamic acid (E) at amino acid position 220 to be replaced by a lysine (K). Based on data from gnomAD, the A allele has an overall frequency of 0.004% (10/281880) total alleles studied. The highest observed frequency was 0.01% (2/19930) of East Asian alleles. Based on insufficient or conflicting evidence, the clinical significance of this alteration remains unclear.

GeneDx
Classification: Uncertain significance. Last evaluated: 2024-04-15. Review status: criteria provided, single submitter. Criteria: GeneDx Variant Classification Process June 2021. Collection method: clinical testing. Allele origin: germline. Affected: yes.
Comment: Not observed at significant frequency in large population cohorts (gnomAD); In silico analysis indicates that this missense variant does not alter protein structure/function; Has not been previously published as pathogenic or benign to our knowledge

Labcorp Genetics (formerly Invitae), Labcorp
Classification: Uncertain significance for Early-infantile DEE. Last evaluated: 2022-05-29. Review status: criteria provided, single submitter. Criteria: Invitae Variant Classification Sherloc (09022015). Collection method: clinical testing. Allele origin: germline.
Comment: This sequence change replaces glutamic acid, which is acidic and polar, with lysine, which is basic and polar, at codon 220 of the SLC25A22 protein (p.Glu220Lys). This variant is present in population databases (rs781132225, gnomAD 0.01%). This variant has not been reported in the literature in individuals affected with SLC25A22-related conditions. Algorithms developed to predict the effect of missense changes on protein structure and function (SIFT, PolyPhen-2, Align-GVGD) all suggest that this variant is likely to be tolerated. In summary, the available evidence is currently insufficient to determine the role of this variant in disease. Therefore, it has been classified as a Variant of Uncertain Significance.